The following is an entry in ClinVar:

NM_000094.4(COL7A1):c.2278G>A (p.Val760Met)

Gene: COL7A1 (collagen type VII alpha 1 chain; minus strand). Cytogenetic location: 3p21.31.
Variant type: single nucleotide variant.
Coding change: c.2278G>A on transcript NM_000094.4 (MANE Select); coding-DNA position 2278, G replaced by A.
Protein change: p.Val760Met; replaces valine 760 with methionine.
Molecular consequence: missense variant.
Genome position (GRCh38, 1-based): chr3:48,589,363, C>T on the plus strand (G>A on the coding strand, the complement: COL7A1 is on the minus strand). VCF-style: chr3-48589363-C-T. GRCh37 (hg19) VCF-style: chr3-48626796-C-T.
Other names: short protein forms V760M.
Identifiers: ClinVar variation 3711934 (VCV003711934.2).

ClinVar aggregate classification (germline): Uncertain significance (1 of 4 stars; one submission).

gnomAD v4.1: 22 of 1,612,612 alleles (0.0014%); highest among the groups gnomAD compares: South Asian, 0.015%; 1 homozygote.

Submission:

Labcorp Genetics (formerly Invitae), Labcorp
Classification: Uncertain significance. Last evaluated: 2026-01-25. Review status: criteria provided, single submitter. Criteria: Invitae Variant Classification Sherloc (09022015). Collection method: clinical testing. Allele origin: germline.
Comment: This sequence change replaces valine, which is neutral and non-polar, with methionine, which is neutral and non-polar, at codon 760 of the COL7A1 protein (p.Val760Met). This variant is present in population databases (rs747563707, gnomAD 0.02%). This missense change has been observed in individual(s) with autosomal dominant dystrophic epidermolysis bullosa (PMID: 16971478). ClinVar contains an entry for this variant (Variation ID: 3711934). Invitae Evidence Modeling of protein sequence and biophysical properties (such as structural, functional, and spatial information, amino acid conservation, physicochemical variation, residue mobility, and thermodynamic stability) indicates that this missense variant is not expected to disrupt COL7A1 protein function with a negative predictive value of 95%. In summary, the available evidence is currently insufficient to determine the role of this variant in disease. Therefore, it has been classified as a Variant of Uncertain Significance.

Literature cited by the submitters: PubMed 16971478.